The following is an entry in ClinVar:

NM_001190274.2(FBXO11):c.183_191del (p.Pro64_Pro66del)

Gene: FBXO11 (F-box protein 11; minus strand). Cytogenetic location: 2p16.3.
Variant type: Deletion.
Coding change: c.183_191del on transcript NM_001190274.2 (MANE Select); coding-DNA positions 183 to 191, 9 bases deleted (ACCGCCGCC; older notation c.183_191delACCGCCGCC).
Protein change: p.Pro64_Pro66del.
Molecular consequence: inframe deletion.
Genome position (GRCh38, 1-based): chr2:47,905,530-47,905,538, GGCGGCGGT deleted on the plus strand (ACCGCCGCC on the coding strand, the reverse complement: FBXO11 is on the minus strand); deleting any 9 consecutive bases within chr2:47,905,530-47,905,546 gives the same sequence; the c. name uses the placement nearest the transcript's 3' end. VCF-style (leftmost placement, unchanged base first): chr2-47905529-AGGCGGCGGT-A. GRCh37 (hg19) VCF-style: chr2-48132668-AGGCGGCGGT-A.
Identifiers: ClinVar variation 1435634 (VCV001435634.39), dbSNP rs764506114, ClinGen allele CA532707565.
Genomic context (GRCh38, chr2:47,905,529, plus strand): 5'-GGGAGGTAGCGCGGCCTTACCCCGCTCGCCGACGTTGTTCCGCTCCTGAGGCAGCGGCGG[AGGCGGCGGT>A]GGCGGCGGCGGAGGCTGCTGCTGCTGCTGCTGCTGCGGCGGCGGCGGAGGCTGCTGCTGG-3'

ClinVar aggregate classification (germline): Likely benign. Review status: criteria provided, multiple submitters, no conflicts (2 of 4 stars). 3 submissions from 3 submitters: Likely benign (3). Last evaluated 2025-10-11.

Submissions (3):

Labcorp Genetics (formerly Invitae), Labcorp
Classification: Likely benign. Last evaluated: 2025-10-11. Review status: criteria provided, single submitter. Criteria: Invitae Variant Classification Sherloc (09022015). Collection method: clinical testing. Allele origin: germline.

Blueprint Genetics
Classification: Likely benign. Last evaluated: 2024-10-24. Review status: criteria provided, single submitter. Criteria: ACMG Guidelines, 2015. Collection method: clinical testing. Allele origin: germline.

CeGaT Center for Human Genetics Tuebingen
Classification: Likely benign. Last evaluated: 2024-04-01. Review status: criteria provided, single submitter. Criteria: CeGaT Center For Human Genetics Tuebingen Variant Classification Criteria Version 2. Collection method: clinical testing. Allele origin: germline. Affected: yes. Observed: 2 variant alleles.
Comment: FBXO11: BP3